The following is an entry in ClinVar:

ClinVar aggregate classification (germline): Conflicting classifications of pathogenicity. Review status: criteria provided, conflicting classifications (1 of 4 stars). 9 submissions from 9 submitters: Uncertain significance (7); Likely benign (2). Last evaluated 2026-07-01.

Conditions:
TTN-related disorder. Also called: TTN-related condition; TTN-related disease; TTN-related disorders.
Cardiovascular phenotype. Identifiers: MedGen CN230736.
Autosomal recessive limb-girdle muscular dystrophy type 2J (LGMDR10). Also called: Limb-girdle muscular dystrophy, type 2J; MUSCULAR DYSTROPHY, LIMB-GIRDLE, AUTOSOMAL RECESSIVE 10. Identifiers: Orphanet 140922, MedGen C1837342, MONDO:0012127, OMIM 608807.
Dilated cardiomyopathy 1G (CMD1G). Identifiers: Orphanet 154, MedGen C1858763, MONDO:0011400, OMIM 604145.

Allele frequency attached by ClinVar (database versions not stated): gnomAD 0.00006; ESP Exome Variant Server 0.00008; TOPMed 0.00009; gnomAD exomes 0.00014 and 0.00016; ExAC 0.00017.

Submissions (9):

PreventionGenetics, part of Exact Sciences
Classification: Uncertain significance for TTN-related condition. Last evaluated: 2026-07-01. Review status: criteria provided, single submitter. Criteria: ACMG Guidelines, 2015. Collection method: clinical testing. Allele origin: germline.
Comment: The TTN c.42509T>C variant is predicted to result in the amino acid substitution p.Met14170Thr. This variant has been reported in individuals with dilated cardiomyopathy (described as p.Met11602Thr in Table S3, Pugh et al. 2014. PubMed ID: 24503780; described as p.Met11602Thr in Table S2, Burstein et al. 2021. PubMed ID: 32746448). This variant is reported in 0.024% of alleles in individuals of European (Non-Finnish) descent in gnomAD, including 1 homozygote. Although we suspect that this variant may be benign, at this time, the clinical significance of this variant is uncertain due to the absence of conclusive functional and genetic evidence.

Blueprint Genetics
Classification: Likely benign. Last evaluated: 2023-05-22. Review status: criteria provided, single submitter. Criteria: ACMG Guidelines, 2015. Collection method: clinical testing. Allele origin: germline.

Revvity Omics, Revvity
Classification: Uncertain significance. Last evaluated: 2023-03-07. Review status: criteria provided, single submitter. Criteria: ACMG Guidelines, 2015. Collection method: clinical testing. Allele origin: germline.

Mayo Clinic Laboratories, Mayo Clinic
Classification: Uncertain significance. Last evaluated: 2022-09-30. Review status: criteria provided, single submitter. Criteria: ACMG Guidelines, 2015. Collection method: clinical testing. Allele origin: germline. Observed: 1 variant allele.

GeneDx
Classification: Likely benign. Last evaluated: 2019-06-10. Review status: criteria provided, single submitter. Criteria: GeneDx Variant Classification Process June 2021. Collection method: clinical testing. Allele origin: germline. Affected: yes.
Comment: This variant is associated with the following publications: (PMID: 24503780)

Eurofins Ntd Llc (ga)
Classification: Uncertain significance. Last evaluated: 2016-12-13. Review status: criteria provided, single submitter. Criteria: EGL Classification Definitions 2015. Collection method: clinical testing. Allele origin: germline. Observed: 1 variant allele, 1 heterozygote.

Labcorp Genetics (formerly Invitae), Labcorp
Classification: Uncertain significance for Dilated cardiomyopathy 1G; Autosomal recessive limb-girdle muscular dystrophy type 2J. Last evaluated: 2016-10-21. Review status: criteria provided, single submitter. Criteria: Invitae Variant Classification Sherloc (09022015). Collection method: clinical testing. Allele origin: germline.

Ambry Genetics
Classification: Uncertain significance for Cardiovascular phenotype. Last evaluated: 2015-11-04. Review status: criteria provided, single submitter. Criteria: Ambry Variant Classification Scheme 2023. Collection method: clinical testing. Allele origin: germline.
Comment: The p.M5105T variant (also known as c.15314T>C), located in coding exon 58 of the TTN gene, results from a T to C substitution at nucleotide position 15314. The methionine at codon 5105 is replaced by threonine, an amino acid with some similar properties. This variant was reported as p.M11602T (c.34805T>C) in one individual with dilated cardiomyopathy (DCM) who also had variants in other cardiac-related genes (Pugh TJ et al. Genet Med. 2014;16(8):601-8). This variant was previously reported in the SNPDatabase as rs369623392. Based on data from the NHLBI Exome Sequencing Project (ESP), the C allele has an overall frequency of approximately 0.01% (1/11928) total alleles studied and 0.01% (1/8196) European American alleles. Based on data from ExAC, the C allele has an overall frequency of approximately 0.02% (21/120678). The highest observed frequency was 0.03% (21/66710) of European (non-Finnish) alleles (Exome Aggregation Consortium (ExAC), Cambridge, MA (URL) [Accessed November 4, 2015]). This amino acid position is not well conserved in available vertebrate species. In addition, this alteration is predicted to be tolerated by in silico analysis. Since supporting evidence is limited at this time, the clinical significance of this variant remains unclear.

Laboratory for Molecular Medicine, Mass General Brigham Personalized Medicine
Classification: Uncertain significance. Last evaluated: 2014-10-28. Review status: criteria provided, single submitter. Criteria: LMM Criteria. Collection method: clinical testing. Allele origin: germline. Observed: 4 variant alleles.
Comment: Thi s variant has also been identified in 1/8196 European American chromosomes by th e NHLBI Exome Sequencing Project (dbSNP rs369 623392). Computational prediction tools and conservation analysis do not provide strong support for or against an impact to the protein. In summary, the clinica l significance of the p.Met11602Thr variant is uncertain.

Literature cited by the submitters: PubMed 24503780 (cited by Mayo Clinic Laboratories, Mayo Clinic); PubMed 32746448 (cited by Mayo Clinic Laboratories, Mayo Clinic).

NM_001267550.2(TTN):c.42509T>C (p.Met14170Thr)

Gene: TTN (titin; minus strand). Cytogenetic location: 2q31.2.
Variant type: single nucleotide variant.
Coding change: c.42509T>C on transcript NM_001267550.2 (MANE Select); coding-DNA position 42509, T replaced by C.
Protein change: p.Met14170Thr; replaces methionine 14170 with threonine.
Molecular consequence: missense variant.
Genome position (GRCh38, 1-based): chr2:178,633,990, A>G on the plus strand (T>C on the coding strand, the complement: TTN is on the minus strand). VCF-style: chr2-178633990-A-G. GRCh37 (hg19) VCF-style: chr2-179498717-A-G.
Other names: p.Met12529Thr; c.37586T>C, p.Met12529Thr (NM_001256850.1); c.15314T>C, p.Met5105Thr (NM_003319.4); c.34805T>C, p.Met11602Thr (NM_133378.4); c.15689T>C, p.Met5230Thr (NM_133432.3); c.15890T>C, p.Met5297Thr (NM_133437.4); short protein forms M14170T, M11602T, M12529T, M5105T, M5230T, M5297T.
Identifiers: ClinVar variation 46956 (VCV000046956.24), dbSNP rs369623392, ClinGen allele CA139622.